The following is an entry in ClinVar:

ClinVar aggregate classification (germline): Uncertain significance (1 of 4 stars; one submission).

Submission:

GeneDx
Classification: Uncertain significance. Last evaluated: 2018-11-01. Review status: criteria provided, single submitter. Criteria: GeneDx Variant Classification (06012015). Collection method: clinical testing. Allele origin: germline. Affected: yes.
Comment: p.Leu2883Pro (CTT>CCT): c.8648 T>C in exon 65 of the FBN2 gene (NM_001999.3) Mutations in the FBN2 gene have been reported in 27-75% of patients with autosomal dominant congenital contracturalarachnodactyly, which is associated with a risk of aortic root dilatation (Godfrey M et al., 2012). The L2883P variant has not been published as a mutation, nor has it been reported as a benign polymorphism to our knowledge. The L2883P variant was not observed in approximately 6,500 individuals of European and African American ancestry in the NHLBI Exome Sequencing Project, indicating it is not a common benign variant in these populations. The L2883P variant is a semi-conservative amino acid substitution, which may impact secondary protein structure as these residues differ in some properties. This substitution occurs at a position that is conserved across species. In silico analysis predicts this variant is probably damaging to the protein structure/function. However, no missense mutations in nearby residues have been reported in association with contractural arachnodactyly or related disorder, suggesting this region of the protein may be tolerant of change. Therefore, based on the currently available information, it is unclear whether this variant is a pathogenic mutation or a rare benign variant. This variant was found in TAAD

NM_001999.4(FBN2):c.8648T>C (p.Leu2883Pro)

Gene: FBN2 (fibrillin 2; minus strand). Cytogenetic location: 5q23.3.
Variant type: single nucleotide variant.
Coding change: c.8648T>C on transcript NM_001999.4 (MANE Select); coding-DNA position 8648, T replaced by C.
Protein change: p.Leu2883Pro; replaces leucine 2883 with proline.
Molecular consequence: missense variant.
Genome position (GRCh38, 1-based): chr5:128,259,546, A>G on the plus strand (T>C on the coding strand, the complement: FBN2 is on the minus strand). VCF-style: chr5-128259546-A-G. GRCh37 (hg19) VCF-style: chr5-127595238-A-G.
Other names: short protein forms L2883P.
Identifiers: ClinVar variation 213431 (VCV000213431.2), dbSNP rs863223614, ClinGen allele CA321686.
Genomic context (GRCh38, chr5:128,259,546, plus strand): 5'-AGAGCCTCCCCAAGCTCCCCTAGGAGGTAGTCATCCTCATTGCTCTCTTCCAGTTTCTTA[A>G]GCTCCTTCTTCTTGTAGAGAGGGATGCTAGTGATTTCCAGTGTGTATGTGCCGGGCATGA-3'
Protein context (NP_001990.2, residues 2873-2893): TSIPLYKKKE[Leu2883Pro]KKLEESNEDD